The following is an entry in ClinVar:

NC_000005.10:g.112707479C>T

Genes: APC (APC regulator of Wnt signaling pathway; plus strand), LOC129994371 (ATAC-STARR-seq lymphoblastoid active region 22910; plus strand). Cytogenetic location: 5q22.2.
Variant type: single nucleotide variant.
Genome position: GRCh38 VCF-style: chr5-112707479-C-T. GRCh37 (hg19) VCF-style: chr5-112043176-C-T.
Identifiers: ClinVar variation 1052220 (VCV001052220.10), dbSNP rs1236895567, ClinGen allele CA1573442348.

ClinVar aggregate classification (germline): Uncertain significance (1 of 4 stars; one submission).

Conditions:
Familial adenomatous polyposis 1 (FAP1). Also called: POLYPOSIS, ADENOMATOUS INTESTINAL; FAMILIAL ADENOMATOUS POLYPOSIS 1, ATTENUATED. Identifiers: MedGen C2713442, MONDO:0021056, OMIM 175100. Disease mechanism: loss of function.

Allele frequency attached by ClinVar (database versions not stated): gnomAD exomes below 0.00001.

Submission:

Labcorp Genetics (formerly Invitae), Labcorp
Classification: Uncertain significance for Familial adenomatous polyposis 1. Last evaluated: 2025-07-10. Review status: criteria provided, single submitter. Criteria: Invitae Variant Classification Sherloc (09022015). Collection method: clinical testing. Allele origin: germline.
Comment: This variant occurs in a non-coding region of the APC gene. It does not change the encoded amino acid sequence of the APC protein. This variant is not present in population databases (gnomAD no frequency). This variant has not been reported in the literature in individuals affected with APC-related conditions. Experimental studies and prediction algorithms are not available or were not evaluated, and the functional significance of this variant is currently unknown. In summary, the available evidence is currently insufficient to determine the role of this variant in disease. Therefore, it has been classified as a Variant of Uncertain Significance.